The following is an entry in ClinVar:

ClinVar aggregate classification (germline): Pathogenic (1 of 4 stars; one submission).

Conditions:
Intellectual developmental disorder, autosomal dominant 56. Also called: MENTAL RETARDATION, AUTOSOMAL DOMINANT 56; Intellectual disability, autosomal dominant 56. Identifiers: MedGen C4693389, MONDO:0030922, OMIM 617854.

Submission:

Institute of Human Genetics, University of Leipzig Medical Center
Classification: Pathogenic for Intellectual developmental disorder, autosomal dominant 56. Last evaluated: 2025-03-18. Review status: criteria provided, single submitter. Criteria: ACMG Guidelines, 2015. Collection method: clinical testing. Allele origin: unknown. Inheritance: Autosomal dominant inheritance. Affected: yes.
Comment: Criteria applied: PVS1,PM2

NM_004859.4(CLTC):c.4827+1G>T

Gene: CLTC (clathrin heavy chain; plus strand). Cytogenetic location: 17q23.1.
Variant type: single nucleotide variant.
Coding change: c.4827+1G>T on transcript NM_004859.4 (MANE Select); the canonical splice donor site of the intron after coding-DNA position 4827, G replaced by T.
Molecular consequence: splice donor variant.
Genome position (GRCh38, 1-based): chr17:59,685,809, G>T. VCF-style: chr17-59685809-G-T. GRCh37 (hg19) VCF-style: chr17-57763170-G-T.
Other names: c.4839+1G>T (NM_001288653.2).
Identifiers: ClinVar variation 3778736 (VCV003778736.1).
Genomic context (GRCh38, chr17:59,685,809, plus strand): 5'-AATATCATGGATTTTGCCATGCCCTATTTCATCCAGGTCATGAAGGAGTACTTGACAAAG[G>T]TAATGACTCTTCTAAGTGTATTCAGAACTAGTTTCCTTGCATGTAAAATTCTACATGCAC-3'